The following is an entry in ClinVar:

ClinVar aggregate classification (germline): Pathogenic (1 of 4 stars; one submission).

Conditions:
Aniridia 1 (AN1). Identifiers: Orphanet 250923, MedGen C0344542, MONDO:0024507, OMIM 106210.

Submission:

MVZ Medizinische Genetik Mainz
Classification: Pathogenic for Aniridia 1. Last evaluated: 2022-07-05. Review status: criteria provided, single submitter. Criteria: UK Practice Guidelines For Variant Classification V4 01 2020. Collection method: clinical testing. Allele origin: germline. Inheritance: Autosomal dominant inheritance. Affected: yes. Observed: 1 variant allele.
Comment: ACMG Criteria: PVS1, PM2_SUP, PP4

NM_001368894.2(PAX6):c.528dup (p.Tyr177fs)

Gene: PAX6 (paired box 6; minus strand). Cytogenetic location: 11p13.
Variant type: Duplication.
Coding change: c.528dup on transcript NM_001368894.2 (MANE Select); coding-DNA position 528, one base duplicated (G; older notation c.528dupG).
Protein change: p.Tyr177fs; shifts the reading frame from tyrosine 177.
Molecular consequence: frameshift variant. On other transcripts: non-coding transcript variant (2).
Genome position (GRCh38, 1-based): chr11:31,800,728, C duplicated on the plus strand (G on the coding strand, the reverse complement: PAX6 is on the minus strand); the first of 2 consecutive C bases (chr11:31,800,728-31,800,729); duplicating either gives the same sequence. VCF-style (leftmost placement, unchanged base first): chr11-31800727-A-AC. GRCh37 (hg19) VCF-style: chr11-31822275-A-AC.
Other names: c.78dup, p.Tyr27fs (NM_001368908.2, NM_001368909.2, NM_001368929.2 and 11 more transcripts); c.729dup, p.Tyr244fs (NM_001368910.2); c.531dup, p.Tyr178fs (NM_001368911.2); c.528dup, p.Tyr177fs (NM_001368912.2, NM_001368913.2, NM_001368914.2 and 6 more transcripts); c.486dup, p.Tyr163fs (NM_001368915.2, NM_001368916.2, NM_001368917.2 and 10 more transcripts); c.603dup, p.Tyr202fs (NM_001368918.2, NM_001368919.2); c.561dup, p.Tyr188fs (NM_001368920.2); c.327dup, p.Tyr110fs (NM_001368921.2, NM_001368922.2, NM_001368923.2 and 4 more transcripts); and 1 more; short protein forms Y110fs, Y163fs, Y177fs, Y178fs, Y188fs, Y202fs, Y244fs, Y27fs.
Identifiers: ClinVar variation 3236039 (VCV003236039.1), dbSNP rs2495975869, ClinGen allele CA2825001881.